The following is an entry in ClinVar:

ClinVar aggregate classification (germline): Uncertain significance (1 of 4 stars; one submission).

Conditions:
Emery-Dreifuss muscular dystrophy 4, autosomal dominant (EDMD4). Also called: EMERY-DREIFUSS MUSCULAR DYSTROPHY 4 WITH VARIABLE FEATURES. Identifiers: Orphanet 261, MedGen C2751807, MONDO:0013071, OMIM 612998.
Autosomal recessive ataxia, Beauce type. Also called: SYNE1 Deficiency; Spinocerebellar ataxia, autosomal recessive 8; ATAXIA, RECESSIVE, OF BEAUCE; SYNE1-Related Autosomal Recessive Cerebellar Ataxia. Identifiers: Orphanet 88644, MedGen C1853116, MONDO:0012549, OMIM 610743.

Allele frequency attached by ClinVar (database versions not stated): gnomAD exomes below 0.00001.
gnomAD v4.1: 2 of 1,614,104 alleles (0.00012%); highest among the groups gnomAD compares: Non-Finnish European, 0.00017%; no homozygotes.

Submission:

Labcorp Genetics (formerly Invitae), Labcorp
Classification: Uncertain significance for Emery-Dreifuss muscular dystrophy 4, autosomal dominant; Autosomal recessive ataxia, Beauce type. Last evaluated: 2022-01-04. Review status: criteria provided, single submitter. Criteria: Invitae Variant Classification Sherloc (09022015). Collection method: clinical testing. Allele origin: germline.
Comment: In summary, the available evidence is currently insufficient to determine the role of this variant in disease. Therefore, it has been classified as a Variant of Uncertain Significance. Algorithms developed to predict the effect of missense changes on protein structure and function are either unavailable or do not agree on the potential impact of this missense change (SIFT: "Deleterious"; PolyPhen-2: "Probably Damaging"; Align-GVGD: "Class C0"). This variant has not been reported in the literature in individuals affected with SYNE1-related conditions. This variant is not present in population databases (gnomAD no frequency). This sequence change replaces tryptophan, which is neutral and slightly polar, with arginine, which is basic and polar, at codon 1133 of the SYNE1 protein (p.Trp1133Arg).

NM_182961.4(SYNE1):c.3376T>C (p.Trp1126Arg)

Gene: SYNE1 (spectrin repeat containing nuclear envelope protein 1; minus strand). Cytogenetic location: 6q25.2.
Variant type: single nucleotide variant.
Coding change: c.3376T>C on transcript NM_182961.4 (MANE Select); coding-DNA position 3376, T replaced by C.
Protein change: p.Trp1126Arg; replaces tryptophan 1126 with arginine.
Molecular consequence: missense variant.
Genome position (GRCh38, 1-based): chr6:152,450,644, A>G on the plus strand (T>C on the coding strand, the complement: SYNE1 is on the minus strand). VCF-style: chr6-152450644-A-G. GRCh37 (hg19) VCF-style: chr6-152771779-A-G.
Other names: c.3397T>C, p.Trp1133Arg (NM_033071.5); short protein forms W1133R, W1126R.
Identifiers: ClinVar variation 2039493 (VCV002039493.4), dbSNP rs2501546551, ClinGen allele CA366149487.